The following is an entry in ClinVar:

NM_000492.4(CFTR):c.3623G>A (p.Gly1208Asp)

Genes: CFTR (CF transmembrane conductance regulator; plus strand), CFTR-AS2 (CFTR antisense RNA 2; minus strand). Cytogenetic location: 7q31.2.
Variant type: single nucleotide variant.
Coding change: c.3623G>A on transcript NM_000492.4 (MANE Select); coding-DNA position 3623, G replaced by A.
Protein change: p.Gly1208Asp; replaces glycine 1208 with aspartic acid.
Molecular consequence: missense variant.
Genome position (GRCh38, 1-based): chr7:117,627,676, G>A. VCF-style: chr7-117627676-G-A. GRCh37 (hg19) VCF-style: chr7-117267730-G-A.
Other names: p.Gly1208Asp; short protein forms G1208D.
Identifiers: ClinVar variation 550417 (VCV000550417.17), dbSNP rs746103666, ClinGen allele CA4451508.

ClinVar aggregate classification (germline): Conflicting classifications of pathogenicity. Review status: criteria provided, conflicting classifications (1 of 4 stars). 7 submissions from 7 submitters: Likely pathogenic (3); Uncertain significance (3). 1 of the submissions does not count toward it. Last evaluated 2025-12-31.

Conditions:
Cystic fibrosis (CF). Also called: MUCOVISCIDOSIS. Identifiers: Orphanet 586, MedGen C0010674, MONDO:0009061, OMIM 219700. Disease mechanism: loss of function.
CFTR-related disorder (CFTR-RD). Also called: CFTR-related disorders; CFTR-related condition. Identifiers: MedGen C5924204, MONDO:7770004.
Bronchiectasis with or without elevated sweat chloride 1 (BESC1). Also called: Cystic Fibrosis-Like Syndrome. Identifiers: Orphanet 60033, MedGen C2749757, MONDO:0008887, OMIM 211400.
Hereditary pancreatitis (PCTT). Also called: Hereditary chronic pancreatitis; PRSS1-Related Hereditary Pancreatitis. Identifiers: Orphanet 676, MedGen C0238339, MONDO:0008185, OMIM 167800.
Congenital bilateral aplasia of vas deferens from CFTR mutation (CBAVD). Identifiers: Orphanet 48, MedGen C0403814, MONDO:0010178, OMIM 277180. Disease mechanism: loss of function.

Allele frequency attached by ClinVar (database versions not stated): ExAC 0.00001; gnomAD 0.00001; gnomAD exomes 0.00001; TOPMed 0.00001.

Submissions (7):

Natera, Inc.
Classification: Likely pathogenic for CFTR-related disorders. Last evaluated: 2025-12-31. Review status: criteria provided, single submitter. Criteria: Natera Variant Classification Schema (03/2026). Collection method: clinical testing. Allele origin: germline.
Comment: The c.3623G>A variant in CFTR is a missense variant predicted to cause substitution of glycine to aspartic acid at amino acid 1208. This variant is rare in the general population with a frequency below the threshold expected for the associated phenotype(s). This variant has been observed in one or more individuals affected with the associated recessive disease, as either homozygous or compound heterozygous with a second variant (PMID: 26800689). Functional studies show that this variant may disrupt protein function (PMID: 26800689). Computational prediction algorithms indicate this variant is likely to affect gene or protein function. Given the available evidence, this variant is classified as Likely Pathogenic.

Women's Health and Genetics/Laboratory Corporation of America, LabCorp
Classification: Uncertain significance. Last evaluated: 2025-08-01. Review status: criteria provided, single submitter. Criteria: LabCorp Variant Classification Summary - May 2015. Collection method: clinical testing. Allele origin: germline.
Comment: Variant summary: CFTR c.3623G>A (p.Gly1208Asp) results in a non-conservative amino acid change in the encoded protein sequence. Algorithms developed to predict the effect of missense changes on protein structure and function all suggest that this variant is likely to be disruptive. The variant allele was found at a frequency of 8e-06 in 250184 control chromosomes. The available data on variant occurrences in the general population are insufficient to allow any conclusion about variant significance. c.3623G>A has been observed in at least one individual affected with Cystic Fibrosis (example: Zhang_2016) and in at least one individual with congenital bilateral absence of the vas deferens (example: Luo_2021, Lu_2025). These data do not allow any conclusion about variant significance. At least one publication reports experimental evidence evaluating an impact on protein function. Specifically, a defect in intracellular processing and trafficking was demonstrated (example: Zhang_2016). The following publications have been ascertained in the context of this evaluation (PMID: 40065563, 32777524, 26800689). ClinVar contains an entry for this variant (Variation ID: 550417). Based on the evidence outlined above, the variant was classified as uncertain significance.

Ambry Genetics
Classification: Uncertain significance for Cystic fibrosis. Last evaluated: 2025-03-30. Review status: criteria provided, single submitter. Criteria: Ambry Variant Classification Scheme 2023. Collection method: clinical testing. Allele origin: germline.
Comment: The p.G1208D variant (also known as c.3623G>A), located in coding exon 22 of the CFTR gene, results from a G to A substitution at nucleotide position 3623. The glycine at codon 1208 is replaced by aspartic acid, an amino acid with similar properties. This variant has been identified in the homozygous state and/or in conjunction with other CFTR variant(s) in individual(s) with features consistent with cystic fibrosis (Zhang X et al. Respir Res, 2016 Jan;17:8). This amino acid position is highly conserved in available vertebrate species. In addition, this alteration is predicted to be deleterious by in silico analysis. Based on the available evidence, the clinical significance of this variant remains unclear.

Fulgent Genetics
Classification: Likely pathogenic for Hereditary pancreatitis; Bronchiectasis with or without elevated sweat chloride 1; Cystic fibrosis; Congenital bilateral aplasia of vas deferens from CFTR mutation. Last evaluated: 2024-04-18. Review status: criteria provided, single submitter. Criteria: ACMG Guidelines, 2015. Collection method: clinical testing. Allele origin: germline.

Labcorp Genetics (formerly Invitae), Labcorp
Classification: Uncertain significance for Cystic fibrosis. Last evaluated: 2024-02-04. Review status: criteria provided, single submitter. Criteria: Invitae Variant Classification Sherloc (09022015). Collection method: clinical testing. Allele origin: germline.
Comment: This sequence change replaces glycine, which is neutral and non-polar, with aspartic acid, which is acidic and polar, at codon 1208 of the CFTR protein (p.Gly1208Asp). This variant is present in population databases (rs746103666, gnomAD 0.01%). This missense change has been observed in individual(s) with cystic fibrosis (PMID: 26800689). In at least one individual the data is consistent with being in trans (on the opposite chromosome) from a pathogenic variant. ClinVar contains an entry for this variant (Variation ID: 550417). Advanced modeling of protein sequence and biophysical properties (such as structural, functional, and spatial information, amino acid conservation, physicochemical variation, residue mobility, and thermodynamic stability) performed at Invitae indicates that this missense variant is expected to disrupt CFTR protein function with a positive predictive value of 80%. Experimental studies have shown that this missense change affects CFTR function (PMID: 26800689). In summary, the available evidence is currently insufficient to determine the role of this variant in disease. Therefore, it has been classified as a Variant of Uncertain Significance.

Mayo Clinic Laboratories, Mayo Clinic
Classification: Likely pathogenic. Last evaluated: 2021-08-23. Review status: criteria provided, single submitter. Criteria: ACMG Guidelines, 2015. Collection method: clinical testing. Allele origin: germline.
Comment: PP3, PM2, PM3, PS3

Counsyl
Classification: Uncertain significance for Cystic fibrosis. Last evaluated: 2017-01-24. Review status: no assertion criteria provided. Collection method: clinical testing. Allele origin: unknown. Not counted in ClinVar's aggregate classification.

Literature cited by the submitters: PubMed 26800689 (cited by 6 submitters); PubMed 32777524 (cited by Women's Health and Genetics/Laboratory Corporation of America, LabCorp and Mayo Clinic Laboratories, Mayo Clinic); PubMed 40065563 (cited by Women's Health and Genetics/Laboratory Corporation of America, LabCorp); PubMed 29351449 (cited by Mayo Clinic Laboratories, Mayo Clinic).